The following is an entry in ClinVar:

ClinVar aggregate classification (germline): Uncertain significance (1 of 4 stars; one submission).

Conditions:
MAP3K15-related disorder. Also called: MAP3K15-related condition.

gnomAD v4.1: 1 of 1,191,983 alleles (0.000084%); highest among the groups gnomAD compares: East Asian, 0.003%; no homozygotes.

Submission:

PreventionGenetics, part of Exact Sciences
Classification: Uncertain significance for MAP3K15-related condition. Last evaluated: 2024-11-14. Review status: criteria provided, single submitter. Criteria: ACMG Guidelines, 2015. Collection method: clinical testing. Allele origin: germline.
Comment: The MAP3K15 c.1439+6T>C variant is predicted to interfere with splicing. This variant is predicted to impact splicing based on splicing prediction programs (SpliceAI, Jaganathan et al. 2019. PubMed ID: 30661751). To our knowledge, this variant has not been reported in the literature or in a large population database (gnomAD), indicating this variant is rare. At this time, the clinical significance of this variant is uncertain due to the absence of conclusive functional and genetic evidence.

NM_001001671.4(MAP3K15):c.1439+6T>C

Gene: MAP3K15 (mitogen-activated protein kinase kinase kinase 15; minus strand). Cytogenetic location: Xp22.12.
Variant type: single nucleotide variant.
Coding change: c.1439+6T>C on transcript NM_001001671.4 (MANE Select); 6 bases into the intron after coding-DNA position 1439, T replaced by C.
Molecular consequence: intron variant.
Genome position (GRCh38, 1-based): chrX:19,425,525, A>G on the plus strand (T>C on the coding strand, the complement: MAP3K15 is on the minus strand). VCF-style: chrX-19425525-A-G. GRCh37 (hg19) VCF-style: chrX-19443643-A-G.
Identifiers: ClinVar variation 5000252 (VCV005000252.1).
Genomic context (GRCh38, chrX:19,425,525, plus strand): 5'-AGGAAGACATTTCAGAACAAGATCATGTATTGAGATGGGTGATGACAACACACAGACACA[A>G]CTCACCAGACTGGAGGTTTCAGTTTGAACAACCTCTCTGCTGCCTGGACGGCTTTCCCGA-3'